The following is an entry in ClinVar:

ClinVar aggregate classification (germline): Likely pathogenic (1 of 4 stars; one submission).

Conditions:
Neuronal ceroid lipofuscinosis 3 (CLN3). Identifiers: Orphanet 228346, MedGen C0751383, MONDO:0008767, OMIM 204200.

Submission:

Myriad Genetics, Inc.
Classification: Likely pathogenic for Neuronal ceroid lipofuscinosis 3. Last evaluated: 2022-03-06. Review status: criteria provided, single submitter. Criteria: Myriad Women's Health Autosomal Recessive and X-Linked Classification Criteria (2021). Collection method: clinical testing. Allele origin: unknown.
Comment: NM_001042432.1(CLN3):c.276C>A(C92*) is expected to be pathogenic in the context of CLN3-related neuronal ceroid lipofuscinosis. This variant is predicted to lead to an abnormal or absent protein product due to the creation of a premature termination codon in CLN3, a gene where loss-of-function variants are known to be pathogenic. Please note: this variant was assessed in the context of healthy population screening.

NM_001042432.2(CLN3):c.276C>A (p.Cys92Ter)

Gene: CLN3 (CLN3 lysosomal/endosomal transmembrane protein, battenin; minus strand). Cytogenetic location: 16p12.1.
Variant type: single nucleotide variant.
Coding change: c.276C>A on transcript NM_001042432.2 (MANE Select); coding-DNA position 276, C replaced by A.
Protein change: p.Cys92Ter; replaces cysteine 92 with a stop codon.
Molecular consequence: nonsense. On other transcripts: missense variant (1), intron variant (2).
Genome position (GRCh38, 1-based): chr16:28,488,609, G>T on the plus strand (C>A on the coding strand, the complement: CLN3 is on the minus strand). VCF-style: chr16-28488609-G-T. GRCh37 (hg19) VCF-style: chr16-28499930-G-T.
Other names: c.276C>A, p.Cys92Ter (NM_000086.2); c.56C>A, p.Ala19Glu (NM_001286105.2); c.114C>A, p.Cys38Ter (NM_001286110.2); c.60+681C>A (NM_001286109.2); c.222+681C>A (NM_001286104.2); short protein forms A19E, C38*, C92*.
Identifiers: ClinVar variation 1726924 (VCV001726924.2), dbSNP rs1443772167, ClinGen allele CA395346224.